The following is an entry in ClinVar:

NM_021098.3(CACNA1H):c.2321G>T (p.Trp774Leu)

Gene: CACNA1H (calcium voltage-gated channel subunit alpha1 H; plus strand). Cytogenetic location: 16p13.3.
Variant type: single nucleotide variant.
Coding change: c.2321G>T on transcript NM_021098.3 (MANE Select); coding-DNA position 2321, G replaced by T.
Protein change: p.Trp774Leu; replaces tryptophan 774 with leucine.
Molecular consequence: missense variant.
Genome position (GRCh38, 1-based): chr16:1,204,328, G>T. VCF-style: chr16-1204328-G-T. GRCh37 (hg19) VCF-style: chr16-1254328-G-T.
Other names: c.2321G>T, p.Trp774Leu (NM_001005407.2); short protein forms W774L.
Identifiers: ClinVar variation 659158 (VCV000659158.8), dbSNP rs1596421279, ClinGen allele CA394166219.

ClinVar aggregate classification (germline): Uncertain significance (1 of 4 stars; one submission).

Conditions:
Hyperaldosteronism, familial, type IV (HALD4). Also called: FH IV; ALDOSTERONISM, PRIMARY, AND HYPERTENSION. Identifiers: Orphanet 642671, MedGen C4310756, MONDO:0014875, OMIM 617027.
Idiopathic generalized epilepsy. Also called: EIG; Generalised epilepsy. Identifiers: MedGen C0270850, MONDO:0005579, OMIM 600669.

gnomAD v4.1: 1 of 1,594,518 alleles (0.000063%); highest among the groups gnomAD compares: Non-Finnish European, 0.000086%; no homozygotes.

Submission:

Labcorp Genetics (formerly Invitae), Labcorp
Classification: Uncertain significance for Idiopathic generalized epilepsy; Hyperaldosteronism, familial, type IV. Last evaluated: 2018-10-29. Review status: criteria provided, single submitter. Criteria: Invitae Variant Classification Sherloc (09022015). Collection method: clinical testing. Allele origin: germline.
Comment: In summary, the available evidence is currently insufficient to determine the role of this variant in disease. Therefore, it has been classified as a Variant of Uncertain Significance. Algorithms developed to predict the effect of missense changes on protein structure and function (SIFT, PolyPhen-2, Align-GVGD) all suggest that this variant is likely to be tolerated, but these predictions have not been confirmed by published functional studies and their clinical significance is uncertain. This variant has not been reported in the literature in individuals with CACNA1H-related disease. This variant is not present in population databases (ExAC no frequency). This sequence change replaces tryptophan with leucine at codon 774 of the CACNA1H protein (p.Trp774Leu). The tryptophan residue is weakly conserved and there is a small physicochemical difference between tryptophan and leucine.